The following is an entry in ClinVar:

ClinVar aggregate classification (germline): Conflicting classifications of pathogenicity. Review status: criteria provided, conflicting classifications (1 of 4 stars). 2 submissions from 2 submitters: Uncertain significance (1); Likely benign (1). Last evaluated 2025-12-08.

Conditions:
Pancreatic adenocarcinoma. Identifiers: MedGen C0281361, MONDO:0006047, HP:0006725.

Allele frequency attached by ClinVar (database versions not stated): ExAC below 0.00001; gnomAD exomes 0.00008; gnomAD 0.00013; TOPMed 0.00018.
gnomAD v4.1: 298 of 1,496,902 alleles (0.02%); highest among the groups gnomAD compares: Non-Finnish European, 0.024%; no homozygotes.

Submissions (2):

Labcorp Genetics (formerly Invitae), Labcorp
Classification: Uncertain significance for Pancreatic adenocarcinoma. Last evaluated: 2025-12-08. Review status: criteria provided, single submitter. Criteria: Invitae Variant Classification Sherloc (09022015). Collection method: clinical testing. Allele origin: germline.
Comment: This sequence change replaces alanine, which is neutral and non-polar, with threonine, which is neutral and polar, at codon 42 of the PALLD protein (p.Ala42Thr). The frequency data for this variant in the population databases is considered unreliable, as metrics indicate poor data quality at this position in the gnomAD database. This missense change has been observed in individual(s) with clinical features of PALLD-related conditions (internal data). ClinVar contains an entry for this variant (Variation ID: 216534). An algorithm developed to predict the effect of missense changes on protein structure and function (PolyPhen-2) suggests that this variant is likely to be tolerated. In summary, the available evidence is currently insufficient to determine the role of this variant in disease. Therefore, it has been classified as a Variant of Uncertain Significance.

Ambry Genetics
Classification: Likely benign. Last evaluated: 2024-12-16. Review status: criteria provided, single submitter. Criteria: Ambry Variant Classification Scheme 2023. Collection method: clinical testing. Allele origin: germline.

NM_001166108.2(PALLD):c.1965-12907G>A

Gene: PALLD (palladin, cytoskeletal associated protein; plus strand). Cytogenetic location: 4q32.3.
Variant type: single nucleotide variant.
Coding change: c.1965-12907G>A on transcript NM_001166108.2 (MANE Select); 12907 bases into the intron before coding-DNA position 1965, G replaced by A.
Molecular consequence: intron variant. On other transcripts: missense variant (1).
Genome position (GRCh38, 1-based): chr4:168,878,015, G>A. VCF-style: chr4-168878015-G-A. GRCh37 (hg19) VCF-style: chr4-169799166-G-A.
Other names: c.124G>A, p.Ala42Thr (NM_001166110.2); c.1965-12907G>A (NM_016081.4); c.819-12907G>A (NM_001166109.2); c.-157-12907G>A (NM_001367570.1, NM_001367568.1, NM_001367567.1 and 1 more transcripts); short protein forms A42T.
Identifiers: ClinVar variation 216534 (VCV000216534.10), dbSNP rs780516159, ClinGen allele CA337555.